The following is an entry in ClinVar:

NM_002471.4(MYH6):c.1928G>T (p.Gly643Val)

Gene: MYH6 (myosin heavy chain 6; minus strand). Cytogenetic location: 14q11.2.
Variant type: single nucleotide variant.
Coding change: c.1928G>T on transcript NM_002471.4 (MANE Select); coding-DNA position 1928, G replaced by T.
Protein change: p.Gly643Val; replaces glycine 643 with valine.
Molecular consequence: missense variant.
Genome position (GRCh38, 1-based): chr14:23,397,577, C>A on the plus strand (G>T on the coding strand, the complement: MYH6 is on the minus strand). VCF-style: chr14-23397577-C-A. GRCh37 (hg19) VCF-style: chr14-23866786-C-A.
Other names: short protein forms G643V.
Identifiers: ClinVar variation 4995499 (VCV004995499.1).

ClinVar aggregate classification (germline): Uncertain significance (1 of 4 stars; one submission).

Conditions:
MYH6-related disorder. Also called: MYH6-related condition; MYH6-Related Disorders.

Submission:

PreventionGenetics, part of Exact Sciences
Classification: Uncertain significance for MYH6-related condition. Last evaluated: 2025-09-29. Review status: criteria provided, single submitter. Criteria: ACMG Guidelines, 2015. Collection method: clinical testing. Allele origin: germline.
Comment: The MYH6 c.1928G>T variant is predicted to result in the amino acid substitution p.Gly643Val. To our knowledge, this variant has not been reported in the literature or in a large population database (gnomAD), indicating this variant is rare. At this time, the clinical significance of this variant is uncertain due to the absence of conclusive functional and genetic evidence.